The following is an entry in ClinVar:

NC_000003.12:g.169765022A>G

Genes: TERC (telomerase RNA component; minus strand), LOC110806306 (telomerase RNA component (TERC) promoter; plus strand). Cytogenetic location: 3q26.2.
Variant type: single nucleotide variant.
Genome position: GRCh38 VCF-style: chr3-169765022-A-G. GRCh37 (hg19) VCF-style: chr3-169482810-A-G.
Identifiers: ClinVar variation 1381338 (VCV001381338.8), dbSNP rs1777964782, ClinGen allele CA436715984.

ClinVar aggregate classification (germline): Uncertain significance (1 of 4 stars; one submission).

Conditions:
Dyskeratosis congenita, autosomal dominant 1 (DKCA1). Also called: Dyskeratosis congenita Scoggins type. Identifiers: Orphanet 1775, MedGen C4551974, MONDO:0007485, OMIM 127550. Inheritance: Variable.

Submission:

Labcorp Genetics (formerly Invitae), Labcorp
Classification: Uncertain significance for Dyskeratosis congenita, autosomal dominant 1. Last evaluated: 2021-04-08. Review status: criteria provided, single submitter. Criteria: Invitae Variant Classification Sherloc (09022015). Collection method: clinical testing. Allele origin: germline.
Comment: This variant is not present in population databases (ExAC no frequency). This variant occurs in the TERC gene, which encodes an RNA molecule that does not result in a protein product. This variant is located within the template/pseudoknot domain of the TERC RNA component, which is required for RNA or RNP stability (PMID: 15082312, 21844345). A significant number of previously reported TERC mutations are found in this domain (PMID: 15082312, 21844345, 21931702). These observations suggest that this may be a clinically significant region of the protein. This variant has not been reported in the literature in individuals with TERC-related conditions. In summary, the available evidence is currently insufficient to determine the role of this variant in disease. Therefore, it has been classified as a Variant of Uncertain Significance.

Literature cited by the submitters: PubMed 15082312; PubMed 21844345; PubMed 21931702.